The following is an entry in ClinVar:

NM_001127222.2(CACNA1A):c.4249C>T (p.Arg1417Ter)

Genes: CACNA1A (calcium voltage-gated channel subunit alpha1 A; minus strand), LOC126862864 (MED14-independent group 3 enhancer GRCh37_chr19:13371552-13372751; plus strand). Cytogenetic location: 19p13.13.
Variant type: single nucleotide variant.
Coding change: c.4249C>T on transcript NM_001127222.2 (MANE Select); coding-DNA position 4249, C replaced by T.
Protein change: p.Arg1417Ter; replaces arginine 1417 with a stop codon.
Molecular consequence: nonsense.
Genome position (GRCh38, 1-based): chr19:13,261,451, G>A on the plus strand (C>T on the coding strand, the complement: CACNA1A is on the minus strand). VCF-style: chr19-13261451-G-A. GRCh37 (hg19) VCF-style: chr19-13372265-G-A.
Other names: c.4261C>T, p.Arg1421Ter (NM_000068.4, NM_023035.3); c.4252C>T, p.Arg1418Ter (NM_001127221.2, NM_001174080.2); short protein forms R1418*, R1417*, R1421*.
Identifiers: ClinVar variation 862804 (VCV000862804.12), dbSNP rs2056733130, ClinGen allele CA404339522.

ClinVar aggregate classification (germline): Pathogenic. Review status: criteria provided, multiple submitters, no conflicts (2 of 4 stars). 2 submissions from 2 submitters: Pathogenic (2). Last evaluated 2026-10-08.

Conditions:
Episodic ataxia type 2 (EA2). Also called: ACETAZOLAMIDE-RESPONSIVE HEREDITARY PAROXYSMAL CEREBELLAR ATAXIA; ATAXIA, EPISODIC, WITH NYSTAGMUS; ATAXIA, FAMILIAL PAROXYSMAL; CEREBELLAR ATAXIA, PAROXYSMAL, ACETAZOLAMIDE-RESPONSIVE; CEREBELLOPATHY, HEREDITARY PAROXYSMAL; EPISODIC ATAXIA, NYSTAGMUS-ASSOCIATED. Identifiers: Orphanet 97, MedGen C1720416, MONDO:0007163, OMIM 108500.
Developmental and epileptic encephalopathy, 42 (DEE42A). Also called: Epileptic encephalopathy, early infantile, 42; DEVELOPMENTAL AND EPILEPTIC ENCEPHALOPATHY 42A; EPILEPTIC ENCEPHALOPATHY, EARLY INFANTILE, 42A. Identifiers: MedGen C4310716, MONDO:0014917, OMIM 617106.

Submissions (2):

GeneDx
Classification: Pathogenic. Last evaluated: 2026-10-08. Review status: criteria provided, single submitter. Criteria: GeneDx Variant Classification Process June 2021. Collection method: clinical testing. Allele origin: germline.
Comment: Reported in a patient with generalized epilepsy, intellectual disability, and EEG abnormalities in published literature (PMID: 41751517); Nonsense variant predicted to result in protein truncation or nonsense mediated decay in a gene for which loss of function is a known mechanism of disease; Not observed at significant frequency in large population cohorts (gnomAD); This variant is associated with the following publications: (PMID: 41751517)

Labcorp Genetics (formerly Invitae), Labcorp
Classification: Pathogenic for Developmental and epileptic encephalopathy, 42; Episodic ataxia type 2. Last evaluated: 2022-10-28. Review status: criteria provided, single submitter. Criteria: Invitae Variant Classification Sherloc (09022015). Collection method: clinical testing. Allele origin: germline.
Comment: This sequence change creates a premature translational stop signal (p.Arg1418*) in the CACNA1A gene. It is expected to result in an absent or disrupted protein product. Loss-of-function variants in CACNA1A are known to be pathogenic (PMID: 10371528, 19486177, 25735478, 27250579). For these reasons, this variant has been classified as Pathogenic. This variant is not present in population databases (gnomAD no frequency). This variant has not been reported in the literature in individuals affected with CACNA1A-related conditions. ClinVar contains an entry for this variant (Variation ID: 862804).

Literature cited by the submitters: PubMed 10371528 (cited by Labcorp Genetics (formerly Invitae), Labcorp); PubMed 19486177 (cited by Labcorp Genetics (formerly Invitae), Labcorp); PubMed 25735478 (cited by Labcorp Genetics (formerly Invitae), Labcorp); PubMed 27250579 (cited by Labcorp Genetics (formerly Invitae), Labcorp).